The following is an entry in ClinVar:

NM_000088.4(COL1A1):c.4334T>C (p.Leu1445Ser)

Gene: COL1A1 (collagen type I alpha 1 chain; minus strand). Cytogenetic location: 17q21.33.
Variant type: single nucleotide variant.
Coding change: c.4334T>C on transcript NM_000088.4 (MANE Select); coding-DNA position 4334, T replaced by C.
Protein change: p.Leu1445Ser; replaces leucine 1445 with serine.
Molecular consequence: missense variant.
Genome position (GRCh38, 1-based): chr17:50,185,563, A>G on the plus strand (T>C on the coding strand, the complement: COL1A1 is on the minus strand). VCF-style: chr17-50185563-A-G. GRCh37 (hg19) VCF-style: chr17-48262924-A-G.
Other names: short protein forms L1445S.
Identifiers: ClinVar variation 2087619 (VCV002087619.4), dbSNP rs2509152966, ClinGen allele CA400190279.

ClinVar aggregate classification (germline): Uncertain significance (1 of 4 stars; one submission).

Conditions:
Osteogenesis imperfecta type I (OI1). Also called: Lobstein disease; Lobstein's Disease; Osteogenesis imperfecta type 1; Classic Non-deforming Osteogenesis Imperfecta with Blue Sclerae; OI, TYPE I; OSTEOGENESIS IMPERFECTA TARDA. Identifiers: Orphanet 216796, Orphanet 666, MedGen C0023931, MONDO:0008146, OMIM 166200. Disease mechanism: loss of function.

Submission:

Labcorp Genetics (formerly Invitae), Labcorp
Classification: Uncertain significance for Osteogenesis imperfecta type I. Last evaluated: 2024-04-16. Review status: criteria provided, single submitter. Criteria: Invitae Variant Classification Sherloc (09022015). Collection method: clinical testing. Allele origin: germline.
Comment: This sequence change replaces leucine, which is neutral and non-polar, with serine, which is neutral and polar, at codon 1445 of the COL1A1 protein (p.Leu1445Ser). This variant is not present in population databases (gnomAD no frequency). This variant has not been reported in the literature in individuals affected with COL1A1-related conditions. ClinVar contains an entry for this variant (Variation ID: 2087619). Advanced modeling of protein sequence and biophysical properties (such as structural, functional, and spatial information, amino acid conservation, physicochemical variation, residue mobility, and thermodynamic stability) performed at Invitae indicates that this missense variant is not expected to disrupt COL1A1 protein function with a negative predictive value of 95%. In summary, the available evidence is currently insufficient to determine the role of this variant in disease. Therefore, it has been classified as a Variant of Uncertain Significance.